The following is an entry in ClinVar:

NM_007294.4(BRCA1):c.5139A>C (p.Val1713=)

Gene: BRCA1 (BRCA1 DNA repair associated; minus strand). Cytogenetic location: 17q21.31.
Variant type: single nucleotide variant.
Coding change: c.5139A>C on transcript NM_007294.4 (MANE Select); coding-DNA position 5139, A replaced by C.
Protein change: p.Val1713=; no amino-acid change (valine 1713 retained).
Molecular consequence: synonymous variant. On other transcripts: intron variant (2).
Genome position (GRCh38, 1-based): chr17:43,063,887, T>G on the plus strand (A>C on the coding strand, the complement: BRCA1 is on the minus strand). VCF-style: chr17-43063887-T-G. GRCh37 (hg19) VCF-style: chr17-41215904-T-G.
Other names: c.1710A>C, p.Val570= (NM_001408422.1, NM_001408423.1, NM_001408424.1 and 1 more transcripts); c.1707A>C, p.Val569= (NM_001408425.1, NM_001408426.1, NM_001408427.1 and 4 more transcripts); c.1704A>C, p.Val568= (NM_001408432.1, NM_001408433.1, NM_001408434.1 and 10 more transcripts); c.1701A>C, p.Val567= (NM_001408445.1, NM_001408446.1, NM_001408447.1 and 2 more transcripts); c.1695A>C, p.Val565= (NM_001408451.1); c.1689A>C, p.Val563= (NM_001408452.1, NM_001408453.1, NM_001408454.1 and 3 more transcripts); c.1686A>C, p.Val562= (NM_001408458.1, NM_001408459.1, NM_001408460.1 and 7 more transcripts); c.1683A>C, p.Val561= (NM_001408468.1, NM_001408469.1, NM_001408470.1); and 73 more.
Identifiers: ClinVar variation 868703 (VCV000868703.3), dbSNP rs1555578550, ClinGen allele CA500146148.

Conditions:
Breast-ovarian cancer, familial, susceptibility to, 1 (BROVCA1). Also called: BRCA1 Hereditary Breast and Ovarian Cancer; OVARIAN CANCER, SUSCEPTIBILITY TO. Identifiers: Orphanet 145, MedGen C2676676, MONDO:0011450, OMIM 604370. Disease mechanism: loss of function.

Submission:

Brotman Baty Institute, University of Washington
No classification provided (evidence only). Condition: Breast-ovarian cancer, familial 1. Review status: no classification provided. Collection method: in vitro. Allele origin: not applicable. Functional consequence: functionally_normal.
ClinVar note: "not provided" was previously submitted as the classification for the variant. However, the classification appeared to be based only on an observation of functional data so it was converted to no classification on 2025-07-30.